The following is an entry in ClinVar:

NM_003477.3(PDHX):c.844A>G (p.Asn282Asp)

Gene: PDHX (pyruvate dehydrogenase complex component X; plus strand). Cytogenetic location: 11p13.
Variant type: single nucleotide variant.
Coding change: c.844A>G on transcript NM_003477.3 (MANE Select); coding-DNA position 844, A replaced by G.
Protein change: p.Asn282Asp; replaces asparagine 282 with aspartic acid.
Molecular consequence: missense variant. On other transcripts: intron variant (1).
Genome position (GRCh38, 1-based): chr11:34,970,166, A>G. VCF-style: chr11-34970166-A-G. GRCh37 (hg19) VCF-style: chr11-34991713-A-G.
Other names: c.664A>G, p.Asn222Asp (NM_001135024.2); c.343-14404A>G (NM_001166158.2); short protein forms N222D, N282D.
Identifiers: ClinVar variation 3210871 (VCV003210871.3), dbSNP rs1855227059, ClinGen allele CA380121561.
Genomic context (GRCh38, chr11:34,970,166, plus strand): 5'-TGGTTTAACGGACAGGTTGCTGTCTTTTTGCAGGGCACATTCACTGAAATCCCCGCCAGC[A>G]ATATTCGAAGAGTTATTGCCAAGAGATTAACTGAATCTAAAAGTACTGTACCTCATGCAT-3'
Protein context (NP_003468.2, residues 272-292): VGTFTEIPAS[Asn282Asp]IRRVIAKRLT

ClinVar aggregate classification (germline): Uncertain significance. Review status: criteria provided, multiple submitters, no conflicts (2 of 4 stars). 2 submissions from 2 submitters: Uncertain significance (2). Last evaluated 2025-08-07.

Conditions:
Inborn genetic diseases. Identifiers: MedGen C0950123, MeSH D030342.

Allele frequency attached by ClinVar (database versions not stated): TOPMed below 0.00001; gnomAD exomes below 0.00001.
gnomAD v4.1: 4 of 1,613,742 alleles (0.00025%); highest among the groups gnomAD compares: Middle Eastern, 0.017%; no homozygotes.

Submissions (2):

Ambry Genetics
Classification: Uncertain significance for Inborn genetic diseases. Last evaluated: 2025-08-07. Review status: criteria provided, single submitter. Criteria: Ambry Variant Classification Scheme 2023. Collection method: clinical testing. Allele origin: germline.

GeneDx
Classification: Uncertain significance. Last evaluated: 2023-06-12. Review status: criteria provided, single submitter. Criteria: GeneDx Variant Classification Process June 2021. Collection method: clinical testing. Allele origin: germline. Affected: yes.
Comment: Not observed at significant frequency in large population cohorts (gnomAD); In silico analysis supports that this missense variant has a deleterious effect on protein structure/function; Has not been previously published as pathogenic or benign to our knowledge